The following is an entry in ClinVar:

NM_000255.4(MMUT):c.129G>A (p.Trp43Ter)

Gene: MMUT (methylmalonyl-CoA mutase; minus strand). Cytogenetic location: 6p12.3.
Variant type: single nucleotide variant.
Coding change: c.129G>A on transcript NM_000255.4 (MANE Select); coding-DNA position 129, G replaced by A.
Protein change: p.Trp43Ter; replaces tryptophan 43 with a stop codon.
Molecular consequence: nonsense.
Genome position (GRCh38, 1-based): chr6:49,459,338, C>T on the plus strand (G>A on the coding strand, the complement: MMUT is on the minus strand). VCF-style: chr6-49459338-C-T. GRCh37 (hg19) VCF-style: chr6-49427051-C-T.
Other names: short protein forms W43*.
Identifiers: ClinVar variation 222908 (VCV000222908.4), dbSNP rs879253825, ClinGen allele CA10575886.
Genomic context (GRCh38, chr6:49,459,338, plus strand): 5'-GGTGTGCCATATTAGGTCTTCTGGGTTTTTGCCTTTCAGCTGCTTTTTAGCCAGGGCAGC[C>T]CATTCTGGGTGAAGGGGCTGTTGCTGGTGTAGAAGTCGTTGCTGTATGAGCCTGGAGCCT-3'

ClinVar aggregate classification (germline): Pathogenic. Review status: criteria provided, multiple submitters, no conflicts (2 of 4 stars). 3 submissions from 3 submitters: Pathogenic (2). 1 of the submissions does not count toward it. Last evaluated 2024-04-17.

Conditions:
Methylmalonic aciduria due to methylmalonyl-CoA mutase deficiency (MAMM). Also called: Methylmalonic aciduria, mut type. Identifiers: Orphanet 27, MedGen C1855114, MONDO:0009612, OMIM 251000.
Methylmalonic aciduria due to complete methylmalonyl-CoA mutase deficiency.

Submissions (3):

Natera, Inc.
Classification: Pathogenic for Methylmalonic aciduria due to complete methylmalonyl-CoA mutase deficiency. Last evaluated: 2024-04-17. Review status: criteria provided, single submitter. Criteria: Natera Variant Classification Schema (03/2026). Collection method: clinical testing. Allele origin: germline.
Comment: The c.129G>A variant in MMUT is a nonsense variant predicted to introduce a stop codon at amino acid 43. This variant is expected to result in nonsense mediated decay, truncation, or a dysfunctional protein product. This variant is rare in the general population with a frequency below the threshold expected for the associated phenotype(s). This variant has been observed in one or more individuals affected with the associated recessive disease, as either homozygous or compound heterozygous with a second variant (PMID: 27167370). Given the available evidence, this variant is classified as Pathogenic.

University Children's Hospital, University of Zurich
Classification: Pathogenic for Methylmalonic aciduria due to methylmalonyl-CoA mutase deficiency. Review status: criteria provided, single submitter. Criteria: Forny et al. (Hum Mutat. 2016). Collection method: clinical testing. Allele origin: germline. Inheritance: Autosomal recessive inheritance. Affected: yes.

Counsyl
Classification: Pathogenic for Methylmalonic aciduria due to methylmalonyl-CoA mutase deficiency. Last evaluated: 2018-03-09. Review status: no assertion criteria provided. Collection method: clinical testing. Allele origin: unknown. Not counted in ClinVar's aggregate classification.

Literature cited by the submitters: PubMed 27167370 (cited by Natera, Inc. and Counsyl); PubMed 25736335 (cited by University Children's Hospital, University of Zurich).